The following is an entry in ClinVar:

NM_018444.4(PDP1):c.368T>C (p.Ile123Thr)

Gene: PDP1 (pyruvate dehydrogenase phosphatase catalytic subunit 1; plus strand). Cytogenetic location: 8q22.1.
Variant type: single nucleotide variant.
Coding change: c.368T>C on transcript NM_018444.4 (MANE Select); coding-DNA position 368, T replaced by C.
Protein change: p.Ile123Thr; replaces isoleucine 123 with threonine.
Molecular consequence: missense variant.
Genome position (GRCh38, 1-based): chr8:93,922,427, T>C. VCF-style: chr8-93922427-T-C. GRCh37 (hg19) VCF-style: chr8-94934655-T-C.
Other names: c.443T>C, p.Ile148Thr (NM_001161779.2, NM_001161780.2); c.368T>C, p.Ile123Thr (NM_001161781.2); short protein forms I123T, I148T.
Identifiers: ClinVar variation 2162554 (VCV002162554.4), dbSNP rs1380853009, ClinGen allele CA371691993.
Genomic context (GRCh38, chr8:93,922,427, plus strand): 5'-GCAAAAATGTCAGTTCTATCCTTGGATTTGACAGCAATCAGCTGCCTGCAAATGCACCCA[T>C]TGAGGACCGGAGAAGTGCAGCAACCTGCTTGCAGACCAGAGGGATGCTTTTGGGGGTTTT-3'
Protein context (NP_060914.2, residues 113-133): DSNQLPANAP[Ile123Thr]EDRRSAATCL

ClinVar aggregate classification (germline): Uncertain significance (1 of 4 stars; one submission).

Allele frequency attached by ClinVar (database versions not stated): TOPMed below 0.00001; gnomAD exomes 0.00001.

Submission:

Labcorp Genetics (formerly Invitae), Labcorp
Classification: Uncertain significance. Last evaluated: 2022-08-01. Review status: criteria provided, single submitter. Criteria: Invitae Variant Classification Sherloc (09022015). Collection method: clinical testing. Allele origin: germline.
Comment: In summary, the available evidence is currently insufficient to determine the role of this variant in disease. Therefore, it has been classified as a Variant of Uncertain Significance. Algorithms developed to predict the effect of missense changes on protein structure and function are either unavailable or do not agree on the potential impact of this missense change (SIFT: "Deleterious"; PolyPhen-2: "Benign"; Align-GVGD: "Class C0"). This variant has not been reported in the literature in individuals affected with PDP1-related conditions. This variant is present in population databases (no rsID available, gnomAD 0.003%). This sequence change replaces isoleucine, which is neutral and non-polar, with threonine, which is neutral and polar, at codon 123 of the PDP1 protein (p.Ile123Thr).